The following is an entry in ClinVar:

ClinVar aggregate classification (germline): Uncertain significance. Review status: criteria provided, multiple submitters, no conflicts (2 of 4 stars). 3 submissions from 3 submitters: Uncertain significance (3). Last evaluated 2019-08-29.

Conditions:
Inborn genetic diseases. Identifiers: MedGen C0950123, MeSH D030342.

Allele frequency attached by ClinVar (database versions not stated): gnomAD exomes below 0.00001.
gnomAD v4.1: 1 of 1,211,559 alleles (0.000083%); highest among the groups gnomAD compares: Non-Finnish European, 0.00011%; no homozygotes.

Submissions (3):

Labcorp Genetics (formerly Invitae), Labcorp
Classification: Uncertain significance. Last evaluated: 2019-08-29. Review status: criteria provided, single submitter. Criteria: Invitae Variant Classification Sherloc (09022015). Collection method: clinical testing. Allele origin: germline.
Comment: In summary, the available evidence is currently insufficient to determine the role of this variant in disease. Therefore, it has been classified as a Variant of Uncertain Significance. Algorithms developed to predict the effect of missense changes on protein structure and function (SIFT, PolyPhen-2, Align-GVGD) all suggest that this variant is likely to be disruptive, but these predictions have not been confirmed by published functional studies and their clinical significance is uncertain. This variant has not been reported in the literature in individuals with NEXMIF-related conditions. This variant is not present in population databases (ExAC no frequency). This sequence change replaces arginine with glutamine at codon 313 of the NEXMIF protein (p.Arg313Gln). The arginine residue is highly conserved and there is a small physicochemical difference between arginine and glutamine.

CeGaT Center for Human Genetics Tuebingen
Classification: Uncertain significance. Last evaluated: 2018-09-01. Review status: criteria provided, single submitter. Criteria: CeGaT Center For Human Genetics Tuebingen Variant Classification Criteria Version 2. Collection method: clinical testing. Allele origin: germline. Affected: yes. Observed: 1 variant allele.

Ambry Genetics
Classification: Uncertain significance for Inborn genetic diseases. Last evaluated: 2018-04-13. Review status: criteria provided, single submitter. Criteria: Ambry exome assertion method (8-5-2015). Collection method: clinical testing. Allele origin: germline. Affected: yes. Observed: 1 variant allele.

NM_001008537.3(NEXMIF):c.938G>A (p.Arg313Gln)

Gene: NEXMIF (neurite extension and migration factor; minus strand). Cytogenetic location: Xq13.3.
Variant type: single nucleotide variant.
Coding change: c.938G>A on transcript NM_001008537.3 (MANE Select); coding-DNA position 938, G replaced by A.
Protein change: p.Arg313Gln; replaces arginine 313 with glutamine.
Molecular consequence: missense variant.
Genome position (GRCh38, 1-based): chrX:74,743,619, C>T on the plus strand (G>A on the coding strand, the complement: NEXMIF is on the minus strand). VCF-style: chrX-74743619-C-T. GRCh37 (hg19) VCF-style: chrX-73963454-C-T.
Other names: short protein forms R313Q.
Identifiers: ClinVar variation 807767 (VCV000807767.52), dbSNP rs1247214773, ClinGen allele CA413672025.